The following is an entry in ClinVar:

ClinVar aggregate classification (germline): Pathogenic (1 of 4 stars; one submission).

Submission:

Labcorp Genetics (formerly Invitae), Labcorp
Classification: Pathogenic. Last evaluated: 2024-03-20. Review status: criteria provided, single submitter. Criteria: Invitae Variant Classification Sherloc (09022015). Collection method: clinical testing. Allele origin: germline.
Comment: This sequence change creates a premature translational stop signal (p.Lys297Argfs*14) in the ABCC2 gene. It is expected to result in an absent or disrupted protein product. Loss-of-function variants in ABCC2 are known to be pathogenic (PMID: 9185779, 16549534, 16952291). This variant is not present in population databases (gnomAD no frequency). This variant has not been reported in the literature in individuals affected with ABCC2-related conditions. For these reasons, this variant has been classified as Pathogenic.

Literature cited by the submitters: PubMed 9185779; PubMed 16549534; PubMed 16952291.

NM_000392.5(ABCC2):c.890del (p.Lys297fs)

Gene: ABCC2 (ATP binding cassette subfamily C member 2; plus strand). Cytogenetic location: 10q24.2.
Variant type: Deletion.
Coding change: c.890del on transcript NM_000392.5 (MANE Select); coding-DNA position 890, one base deleted (A; older notation c.890delA).
Protein change: p.Lys297fs; shifts the reading frame from lysine 297.
Molecular consequence: frameshift variant.
Genome position (GRCh38, 1-based): chr10:99,799,229, A deleted; the last of 8 consecutive A bases (chr10:99,799,222-99,799,229); deleting any one gives the same sequence. VCF-style (leftmost placement, unchanged base first): chr10-99799221-GA-G. GRCh37 (hg19) VCF-style: chr10-101558978-GA-G.
Other names: short protein forms K297fs.
Identifiers: ClinVar variation 3693194 (VCV003693194.2).
Genomic context (GRCh38, chr10:99,799,221, plus strand): 5'-TAACAGACATAACTCTGTGGACACTGTTGTTTGGTTTTGTACCTAGGAAGATGTTGAAAA[GA>G]AAAAAAAGAAGTCTGGGACCAAAAAAGATGTTCCAAAATCCTGGTTGATGAAGGCTCTGT-3'